The following is an entry in ClinVar:

NM_080680.3(COL11A2):c.3637-66G>A

Gene: COL11A2 (collagen type XI alpha 2 chain; minus strand). Cytogenetic location: 6p21.32.
Variant type: single nucleotide variant.
Coding change: c.3637-66G>A on transcript NM_080680.3 (MANE Select); 66 bases into the intron before coding-DNA position 3637, G replaced by A.
Molecular consequence: intron variant.
Genome position (GRCh38, 1-based): chr6:33,169,950, C>T on the plus strand (G>A on the coding strand, the complement: COL11A2 is on the minus strand). VCF-style: chr6-33169950-C-T. GRCh37 (hg19) VCF-style: chr6-33137727-C-T.
Other names: c.3316-66G>A (NM_080679.3); c.3379-66G>A (NM_080681.3).
Identifiers: ClinVar variation 674779 (VCV000674779.1), dbSNP rs2855441, ClinGen allele CA15440119.

ClinVar aggregate classification (germline): Benign (1 of 4 stars; one submission).

Allele frequency attached by ClinVar (database versions not stated): ESP Exome Variant Server 0.57906; gnomAD 0.59077 and 0.60616; TOPMed 0.59891; 1000 Genomes Project 30x 0.67755; 1000 Genomes Project 0.68930.
gnomAD v4.1: 1,046,682 of 1,612,174 alleles (65%); highest among the groups gnomAD compares: East Asian, 97%; 346,610 homozygotes.

Submission:

GeneDx
Classification: Benign. Last evaluated: 2018-06-13. Review status: criteria provided, single submitter. Criteria: GeneDx Variant Classification (06012015). Collection method: clinical testing. Allele origin: germline. Affected: yes.
Comment: This variant is considered likely benign or benign based on one or more of the following criteria: it is a conservative change, it occurs at a poorly conserved position in the protein, it is predicted to be benign by multiple in silico algorithms, and/or has population frequency not consistent with disease.